The following is an entry in ClinVar:

NM_006941.4(SOX10):c.378C>A (p.Tyr126Ter)

Genes: POLR2F (RNA polymerase II, I and III subunit F; plus strand), SOX10 (SRY-box transcription factor 10; minus strand). Cytogenetic location: 22q13.1.
Variant type: single nucleotide variant.
Coding change: c.378C>A on transcript NM_006941.4 (MANE Select); coding-DNA position 378, C replaced by A.
Protein change: p.Tyr126Ter; replaces tyrosine 126 with a stop codon.
Molecular consequence: nonsense. On other transcripts: intron variant (3).
Genome position (GRCh38, 1-based): chr22:37,983,407, G>T on the plus strand (C>A on the coding strand, the complement: SOX10 is on the minus strand). VCF-style: chr22-37983407-G-T. GRCh37 (hg19) VCF-style: chr22-38379414-G-T.
Other names: c.*38+11097G>T (NM_001363825.1); c.294-2747G>T (NM_001301130.2); c.293+16237G>T (NM_001301131.2); short protein forms Y126*.
Identifiers: ClinVar variation 1185066 (VCV001185066.8), dbSNP rs2145776981, ClinGen allele CA411500247.

ClinVar aggregate classification (germline): Pathogenic. Review status: criteria provided, single submitter (1 of 4 stars). 2 submissions from 2 submitters: Pathogenic (1). 1 of the submissions does not count toward it. Last evaluated 2024-04-17.

Conditions:
Waardenburg syndrome type 4C (WS4C). Also called: WAARDENBURG SYNDROME WITH HIRSCHSPRUNG DISEASE, TYPE 4C. Identifiers: Orphanet 897, MedGen C2750452, MONDO:0013202, OMIM 613266.

Submissions (2):

Labcorp Genetics (formerly Invitae), Labcorp
Classification: Pathogenic. Last evaluated: 2024-04-17. Review status: criteria provided, single submitter. Criteria: Invitae Variant Classification Sherloc (09022015). Collection method: clinical testing. Allele origin: germline.
Comment: This sequence change creates a premature translational stop signal (p.Tyr126*) in the SOX10 gene. It is expected to result in an absent or disrupted protein product. Loss-of-function variants in SOX10 are known to be pathogenic (PMID: 9462749, 15004559, 21965087, 33442024). This variant is not present in population databases (gnomAD no frequency). This premature translational stop signal has been observed in individual(s) with deafness (PMID: 33724713). ClinVar contains an entry for this variant (Variation ID: 1185066). For these reasons, this variant has been classified as Pathogenic.

WangQJ Lab, Chinese People's Liberation Army General Hospital
Classification: Likely pathogenic for Waardenburg syndrome type 4C. Last evaluated: 2021-07-01. Review status: no assertion criteria provided. Collection method: clinical testing. Allele origin: de novo. Affected: yes. Not counted in ClinVar's aggregate classification.

Literature cited by the submitters: PubMed 9462749 (cited by Labcorp Genetics (formerly Invitae), Labcorp); PubMed 15004559 (cited by Labcorp Genetics (formerly Invitae), Labcorp); PubMed 21965087 (cited by Labcorp Genetics (formerly Invitae), Labcorp); PubMed 33442024 (cited by Labcorp Genetics (formerly Invitae), Labcorp); PubMed 33724713 (cited by Labcorp Genetics (formerly Invitae), Labcorp).